The following is an entry in ClinVar:

ClinVar aggregate classification (germline): Likely benign (1 of 4 stars; one submission).

gnomAD v4.1: 107 of 1,614,136 alleles (0.0066%); highest among the groups gnomAD compares: South Asian, 0.081%; no homozygotes.

Submission:

CeGaT Center for Human Genetics Tuebingen
Classification: Likely benign. Last evaluated: 2025-09-01. Review status: criteria provided, single submitter. Criteria: CeGaT Center For Human Genetics Tuebingen Variant Classification Criteria Version 2. Collection method: clinical testing. Allele origin: germline. Affected: yes. Observed: 1 variant allele.
Comment: DHX30: BP4, BP7

NM_138615.3(DHX30):c.615C>T (p.Thr205=)

Gene: DHX30 (DExH-box helicase 30; plus strand). Cytogenetic location: 3p21.31.
Variant type: single nucleotide variant.
Coding change: c.615C>T on transcript NM_138615.3 (MANE Select); coding-DNA position 615, C replaced by T.
Protein change: p.Thr205=; no amino-acid change (threonine 205 retained).
Molecular consequence: synonymous variant.
Genome position (GRCh38, 1-based): chr3:47,841,125, C>T. VCF-style: chr3-47841125-C-T. GRCh37 (hg19) VCF-style: chr3-47882615-C-T.
Other names: c.531C>T, p.Thr177= (NM_001330990.2); c.498C>T, p.Thr166= (NM_014966.4).
Identifiers: ClinVar variation 4280960 (VCV004280960.7).